The following is an entry in ClinVar:

ClinVar aggregate classification (germline): Uncertain significance (1 of 4 stars; one submission).

Allele frequency attached by ClinVar (database versions not stated): gnomAD exomes 0.00002; TOPMed 0.00002; ExAC 0.00003; gnomAD 0.00003.

Submission:

Labcorp Genetics (formerly Invitae), Labcorp
Classification: Uncertain significance. Last evaluated: 2025-10-16. Review status: criteria provided, single submitter. Criteria: Invitae Variant Classification Sherloc (09022015). Collection method: clinical testing. Allele origin: germline.
Comment: This sequence change replaces proline, which is neutral and non-polar, with serine, which is neutral and polar, at codon 151 of the TCF3 protein (p.Pro151Ser). This variant is present in population databases (rs762313987, gnomAD 0.02%). This variant has not been reported in the literature in individuals affected with TCF3-related conditions. ClinVar contains an entry for this variant (Variation ID: 1470843). Invitae Evidence Modeling of protein sequence and biophysical properties (such as structural, functional, and spatial information, amino acid conservation, physicochemical variation, residue mobility, and thermodynamic stability) indicates that this missense variant is not expected to disrupt TCF3 protein function with a negative predictive value of 80%. In summary, the available evidence is currently insufficient to determine the role of this variant in disease. Therefore, it has been classified as a Variant of Uncertain Significance.

NM_003200.5(TCF3):c.451C>T (p.Pro151Ser)

Gene: TCF3 (transcription factor 3; minus strand). Cytogenetic location: 19p13.3.
Variant type: single nucleotide variant.
Coding change: c.451C>T on transcript NM_003200.5 (MANE Select); coding-DNA position 451, C replaced by T.
Protein change: p.Pro151Ser; replaces proline 151 with serine.
Molecular consequence: missense variant.
Genome position (GRCh38, 1-based): chr19:1,625,624, G>A on the plus strand (C>T on the coding strand, the complement: TCF3 is on the minus strand). VCF-style: chr19-1625624-G-A. GRCh37 (hg19) VCF-style: chr19-1625623-G-A.
Other names: c.451C>T, p.Pro151Ser (NM_001136139.4, NM_001351778.2, NM_001351779.2); short protein forms P151S.
Identifiers: ClinVar variation 1470843 (VCV001470843.6), dbSNP rs762313987, ClinGen allele CA9050397.